The following is an entry in ClinVar:

NM_139058.3(ARX):c.1676A>T (p.Lys559Met)

Gene: ARX (aristaless related homeobox; minus strand). Cytogenetic location: Xp21.3.
Variant type: single nucleotide variant.
Coding change: c.1676A>T on transcript NM_139058.3 (MANE Select); coding-DNA position 1676, A replaced by T.
Protein change: p.Lys559Met; replaces lysine 559 with methionine.
Molecular consequence: missense variant.
Genome position (GRCh38, 1-based): chrX:25,004,683, T>A on the plus strand (A>T on the coding strand, the complement: ARX is on the minus strand). VCF-style: chrX-25004683-T-A. GRCh37 (hg19) VCF-style: chrX-25022800-T-A.
Other names: short protein forms K559M.
Identifiers: ClinVar variation 2444536 (VCV002444536.1), dbSNP rs2519099095, ClinGen allele CA412610513.

ClinVar aggregate classification (germline): Uncertain significance (1 of 4 stars; one submission).

Submission:

GeneDx
Classification: Uncertain significance. Last evaluated: 2022-09-16. Review status: criteria provided, single submitter. Criteria: GeneDx Variant Classification Process June 2021. Collection method: clinical testing. Allele origin: germline. Affected: yes.
Comment: Not observed at significant frequency in large population cohorts (gnomAD); In silico analysis supports that this missense variant has a deleterious effect on protein structure/function; Has not been previously published as pathogenic or benign to our knowledge